The following is an entry in ClinVar:

ClinVar aggregate classification (germline): Uncertain significance (1 of 4 stars; one submission).

Conditions:
Joubert syndrome. Also called: CEREBELLOPARENCHYMAL DISORDER IV; JOUBERT-BOLTSHAUSER SYNDROME; Familial aplasia of the vermis. Identifiers: Orphanet 475, MedGen C5979921, MONDO:0018772.
Meckel-Gruber syndrome. Also called: DYSENCEPHALIA SPLANCHNOCYSTICA; GRUBER SYNDROME; Dysencephalia splachnocystica. Identifiers: Orphanet 564, MedGen C0265215, MONDO:0018921.

gnomAD v4.1: 1 of 1,614,198 alleles (0.000062%); highest among the groups gnomAD compares: Non-Finnish European, 0.000085%; no homozygotes.

Submission:

Labcorp Genetics (formerly Invitae), Labcorp
Classification: Uncertain significance for Joubert syndrome; Meckel-Gruber syndrome. Last evaluated: 2023-07-10. Review status: criteria provided, single submitter. Criteria: Invitae Variant Classification Sherloc (09022015). Collection method: clinical testing. Allele origin: germline.
Comment: This sequence change replaces tyrosine, which is neutral and polar, with aspartic acid, which is acidic and polar, at codon 526 of the TCTN2 protein (p.Tyr526Asp). This variant is not present in population databases (gnomAD no frequency). This variant has not been reported in the literature in individuals affected with TCTN2-related conditions. ClinVar contains an entry for this variant (Variation ID: 1363831). Advanced modeling of protein sequence and biophysical properties (such as structural, functional, and spatial information, amino acid conservation, physicochemical variation, residue mobility, and thermodynamic stability) performed at Invitae indicates that this missense variant is not expected to disrupt TCTN2 protein function. In summary, the available evidence is currently insufficient to determine the role of this variant in disease. Therefore, it has been classified as a Variant of Uncertain Significance.

NM_024809.5(TCTN2):c.1576T>G (p.Tyr526Asp)

Gene: TCTN2 (tectonic family member 2; plus strand). Cytogenetic location: 12q24.31.
Variant type: single nucleotide variant.
Coding change: c.1576T>G on transcript NM_024809.5 (MANE Select); coding-DNA position 1576, T replaced by G.
Protein change: p.Tyr526Asp; replaces tyrosine 526 with aspartic acid.
Molecular consequence: missense variant.
Genome position (GRCh38, 1-based): chr12:123,699,774, T>G. VCF-style: chr12-123699774-T-G. GRCh37 (hg19) VCF-style: chr12-124184321-T-G.
Other names: c.1573T>G, p.Tyr525Asp (NM_001143850.3); short protein forms Y526D, Y525D.
Identifiers: ClinVar variation 1363831 (VCV001363831.6), dbSNP rs2135852961, ClinGen allele CA387146364.
Genomic context (GRCh38, chr12:123,699,774, plus strand): 5'-GTTGAAAGACTTGATTCATTAATACAAGCGACTCACGTTGCAATGAGAGGCAACTCCGAT[T>G]ACGCTGATCTTAGTGATGGCTGGCTCGAAATAATACGTAAGTCAAACCCGGGTACAATAA-3'
Protein context (NP_079085.2, residues 516-536): THVAMRGNSD[Tyr526Asp]ADLSDGWLEI